The following is an entry in ClinVar:

NM_018718.3(CEP41):c.*4295G>C

Gene: CEP41 (centrosomal protein 41; minus strand). Cytogenetic location: 7q32.2.
Variant type: single nucleotide variant.
Coding change: c.*4295G>C on transcript NM_018718.3 (MANE Select); 4295 bases downstream of the stop codon, G replaced by C.
Molecular consequence: 3 prime UTR variant. On other transcripts: non-coding transcript variant (1).
Genome position (GRCh38, 1-based): chr7:130,394,596, C>G on the plus strand (G>C on the coding strand, the complement: CEP41 is on the minus strand). VCF-style: chr7-130394596-C-G. GRCh37 (hg19) VCF-style: chr7-130034437-C-G.
Other names: c.*4295G>C (NM_001257158.2, NM_001257159.2).
Identifiers: ClinVar variation 358896 (VCV000358896.6), dbSNP rs4728195, ClinGen allele CA4485137.
Genomic context (GRCh38, chr7:130,394,596, plus strand): 5'-GGCAGAGACAGGGTAATAACACCCCCAGCAGCTCTCTGGGTACTTCCTGTAGAGGGAGAT[C>G]TAAAAACCTCAGGGTTTTGAATGCCTCGCCCACAAAGGCAGGATACACAAGGGGGACAGA-3'

ClinVar aggregate classification (germline): Benign. Review status: criteria provided, multiple submitters, no conflicts (2 of 4 stars). 2 submissions from 2 submitters: Benign (2). Last evaluated 2018-01-12.

Conditions:
Joubert syndrome 15 (JBTS15). Identifiers: Orphanet 475, MedGen C3280897, MONDO:0013763, OMIM 614464.

Allele frequency attached by ClinVar (database versions not stated): ExAC 0.33946; 1000 Genomes Project 0.34944; 1000 Genomes Project 30x 0.35540; gnomAD 0.36193 and 0.36596; TOPMed 0.36244.
gnomAD v4.1: 155,598 of 453,184 alleles (34%); highest among the groups gnomAD compares: Middle Eastern, 45%; 27,615 homozygotes.

Submissions (2):

Illumina Laboratory Services, Illumina
Classification: Benign for Joubert syndrome 15. Last evaluated: 2018-01-12. Review status: criteria provided, single submitter. Criteria: ICSL Variant Classification Criteria 13 December 2019. Collection method: clinical testing. Allele origin: germline.
Comment: This variant was observed in the ICSL laboratory as part of a predisposition screen in an ostensibly healthy population. It had not been previously curated by ICSL or reported in the Human Gene Mutation Database (HGMD: prior to June 1st, 2018), and was therefore a candidate for classification through an automated scoring system. Utilizing variant allele frequency, disease prevalence and penetrance estimates, and inheritance mode, an automated score was calculated to assess if this variant is too frequent to cause the disease. Based on the score and internal cut-off values, a variant classified as benign is not then subjected to further curation. The score for this variant resulted in a classification of benign for this disease.

Breakthrough Genomics
Classification: Benign. Review status: criteria provided, single submitter. Criteria: ACMG Guidelines, 2015. Collection method: not provided. Allele origin: germline. Inheritance: Autosomal recessive inheritance. Affected: yes.